The following is an entry in ClinVar:

ClinVar aggregate classification (germline): Conflicting classifications of pathogenicity. Review status: criteria provided, conflicting classifications (1 of 4 stars). 6 submissions from 6 submitters: Uncertain significance (4); Likely benign (1). 1 of the submissions does not count toward it. Last evaluated 2025-11-03.

Conditions:
Hereditary cancer-predisposing syndrome. Also called: Tumor predisposition; Hereditary Cancer Syndrome; Neoplastic Syndromes, Hereditary; Hereditary neoplastic syndrome. Identifiers: Orphanet 140162, MedGen C0027672, MeSH D009386, MONDO:0015356.
Familial cancer of breast. Also called: Hereditary breast cancer; BREAST CANCER, FAMILIAL; hereditary breast carcinoma. Identifiers: Orphanet 227535, MedGen C0346153, MONDO:0016419, OMIM 114480. Disease mechanism: loss of function.
Ataxia-telangiectasia syndrome (AT). Also called: Cerebello-oculocutaneous telangiectasia; Immunodeficiency with ataxia telangiectasia; Ataxia telangiectasia (A-T); LOUIS-BAR SYNDROME; ATAXIA-TELANGIECTASIA, COMPLEMENTATION GROUP A; ATAXIA-TELANGIECTASIA, FRESNO VARIANT. Identifiers: Orphanet 100, MedGen C0004135, MONDO:0008840, OMIM 208900.

Allele frequency attached by ClinVar (database versions not stated): gnomAD exomes below 0.00001.
gnomAD v4.1: 6 of 1,614,020 alleles (0.00037%); highest among the groups gnomAD compares: South Asian, 0.0033%; no homozygotes.

Submissions (6):

Labcorp Genetics (formerly Invitae), Labcorp
Classification: Uncertain significance for Ataxia-telangiectasia syndrome. Last evaluated: 2025-11-03. Review status: criteria provided, single submitter. Criteria: Invitae Variant Classification Sherloc (09022015). Collection method: clinical testing. Allele origin: germline.
Comment: This sequence change replaces serine, which is neutral and polar, with arginine, which is basic and polar, at codon 1281 of the ATM protein (p.Ser1281Arg). This variant is not present in population databases (gnomAD no frequency). This variant has not been reported in the literature in individuals affected with ATM-related conditions. ClinVar contains an entry for this variant (Variation ID: 216206). Invitae Evidence Modeling of protein sequence and biophysical properties (such as structural, functional, and spatial information, amino acid conservation, physicochemical variation, residue mobility, and thermodynamic stability) indicates that this missense variant is not expected to disrupt ATM protein function with a negative predictive value of 95%. In summary, the available evidence is currently insufficient to determine the role of this variant in disease. Therefore, it has been classified as a Variant of Uncertain Significance.

Ambry Genetics
Classification: Likely benign for Hereditary cancer-predisposing syndrome. Last evaluated: 2024-07-25. Review status: criteria provided, single submitter. Criteria: Ambry Variant Classification Scheme 2023. Collection method: clinical testing. Allele origin: germline.

Color Diagnostics, LLC DBA Color Health
Classification: Uncertain significance for Hereditary cancer-predisposing syndrome. Last evaluated: 2023-11-13. Review status: criteria provided, single submitter. Criteria: ACMG Guidelines, 2015. Collection method: clinical testing. Allele origin: germline.
Comment: This missense variant replaces serine with arginine at codon 1281 of the ATM protein. Computational prediction suggests that this variant may not impact protein structure and function (internally defined REVEL score threshold <= 0.5, PMID: 27666373). To our knowledge, functional studies have not been reported for this variant. In a large breast cancer case-control study, this variant was reported in 1/60465 cases and 1/53460 controls (OR=0.884, 95%CI 0.055 to 14.136, p-value=1; PMID: 33471991). This variant has not been identified in the general population by the Genome Aggregation Database (gnomAD). The available evidence is insufficient to determine the role of this variant in disease conclusively. Therefore, this variant is classified as a Variant of Uncertain Significance.

Baylor Genetics
Classification: Uncertain significance for Familial cancer of breast. Last evaluated: 2023-05-23. Review status: criteria provided, single submitter. Criteria: ACMG Guidelines, 2015. Collection method: clinical testing. Allele origin: unknown.

GeneDx
Classification: Uncertain significance. Last evaluated: 2019-05-14. Review status: criteria provided, single submitter. Criteria: GeneDx Variant Classification Process June 2021. Collection method: clinical testing. Allele origin: germline. Affected: yes.
Comment: Not observed in large population cohorts (Lek et al., 2016); In silico analysis, which includes protein predictors and evolutionary conservation, supports that this variant does not alter protein structure/function; This variant is associated with the following publications: (PMID: 28259476)

Natera, Inc.
Classification: Uncertain significance for Ataxia-telangiectasia. Last evaluated: 2020-02-21. Review status: no assertion criteria provided. Collection method: clinical testing. Allele origin: germline. Not counted in ClinVar's aggregate classification.

NM_000051.4(ATM):c.3843T>G (p.Ser1281Arg)

Gene: ATM (ATM serine/threonine kinase; plus strand). Cytogenetic location: 11q22.3.
Variant type: single nucleotide variant.
Coding change: c.3843T>G on transcript NM_000051.4 (MANE Select); coding-DNA position 3843, T replaced by G.
Protein change: p.Ser1281Arg; replaces serine 1281 with arginine.
Molecular consequence: missense variant.
Genome position (GRCh38, 1-based): chr11:108,284,323, T>G. VCF-style: chr11-108284323-T-G. GRCh37 (hg19) VCF-style: chr11-108155050-T-G.
Other names: c.3843T>G, p.Ser1281Arg (NM_001351834.2); short protein forms S1281R.
Identifiers: ClinVar variation 216206 (VCV000216206.28), dbSNP rs863224565, ClinGen allele CA338716.